The following is an entry in ClinVar:

NM_002618.4(PEX13):c.691G>A (p.Ala231Thr)

Gene: PEX13 (peroxisomal biogenesis factor 13; plus strand). Cytogenetic location: 2p15.
Variant type: single nucleotide variant.
Coding change: c.691G>A on transcript NM_002618.4 (MANE Select); coding-DNA position 691, G replaced by A.
Protein change: p.Ala231Thr; replaces alanine 231 with threonine.
Molecular consequence: missense variant.
Genome position (GRCh38, 1-based): chr2:61,032,017, G>A. VCF-style: chr2-61032017-G-A. GRCh37 (hg19) VCF-style: chr2-61259152-G-A.
Other names: short protein forms A231T.
Identifiers: ClinVar variation 1376323 (VCV001376323.3), dbSNP rs1471254251, ClinGen allele CA346944416.
Genomic context (GRCh38, chr2:61,032,017, plus strand): 5'-TGGGCAGAGAGTGAAGGAACTGTGGCATGCCTTGGTGCTGAGGACCGAGCAGCTACCTCA[G>A]CAAAATCTTGGCCAATATTCTTGTTCTTTGCTGTTATCCTTGGTGGTCCTTACCTCATTT-3'
Protein context (NP_002609.1, residues 221-241): LGAEDRAATS[Ala231Thr]KSWPIFLFFA

ClinVar aggregate classification (germline): Uncertain significance (1 of 4 stars; one submission).

Conditions:
Peroxisome biogenesis disorder 11A (Zellweger). Also called: Peroxisome biogenesis disorder 11A. Identifiers: Orphanet 912, MedGen C3554000, MONDO:0013949, OMIM 614883.

Allele frequency attached by ClinVar (database versions not stated): gnomAD 0.00001; gnomAD exomes 0.00001 and 0.00002; TOPMed 0.00001.
gnomAD v4.1: 6 of 1,613,512 alleles (0.00037%); highest among the groups gnomAD compares: Admixed American, 0.01%; no homozygotes.

Submission:

Labcorp Genetics (formerly Invitae), Labcorp
Classification: Uncertain significance for Peroxisome biogenesis disorder 11A (Zellweger). Last evaluated: 2021-09-17. Review status: criteria provided, single submitter. Criteria: Invitae Variant Classification Sherloc (09022015). Collection method: clinical testing. Allele origin: germline.
Comment: This sequence change replaces alanine with threonine at codon 231 of the PEX13 protein (p.Ala231Thr). The alanine residue is moderately conserved and there is a small physicochemical difference between alanine and threonine. This variant is not present in population databases (ExAC no frequency). This variant has not been reported in the literature in individuals affected with PEX13-related conditions. Algorithms developed to predict the effect of missense changes on protein structure and function (SIFT, PolyPhen-2, Align-GVGD) all suggest that this variant is likely to be tolerated. In summary, the available evidence is currently insufficient to determine the role of this variant in disease. Therefore, it has been classified as a Variant of Uncertain Significance.